The following is an entry in ClinVar:

NM_001384474.1(LOXHD1):c.2288C>T (p.Ala763Val)

Gene: LOXHD1 (lipoxygenase homology PLAT domains 1; minus strand). Cytogenetic location: 18q21.1.
Variant type: single nucleotide variant.
Coding change: c.2288C>T on transcript NM_001384474.1 (MANE Select); coding-DNA position 2288, C replaced by T.
Protein change: p.Ala763Val; replaces alanine 763 with valine.
Molecular consequence: missense variant.
Genome position (GRCh38, 1-based): chr18:46,566,406, G>A on the plus strand (C>T on the coding strand, the complement: LOXHD1 is on the minus strand). VCF-style: chr18-46566406-G-A. GRCh37 (hg19) VCF-style: chr18-44146369-G-A.
Other names: c.2288C>T, p.Ala763Val (NM_144612.7); short protein forms A763V.
Identifiers: ClinVar variation 228816 (VCV000228816.6), dbSNP rs876657858, ClinGen allele CA10577082.

ClinVar aggregate classification (germline): Uncertain significance. Review status: criteria provided, multiple submitters, no conflicts (2 of 4 stars). 3 submissions from 3 submitters: Uncertain significance (2). 1 of the submissions does not count toward it. Last evaluated 2023-09-25.

Conditions:
LOXHD1-related disorder. Also called: LOXHD1-related condition.
Autosomal recessive nonsyndromic hearing loss 77. Identifiers: Orphanet 90636, MedGen C2746083, MONDO:0013119, OMIM 613079.

Allele frequency attached by ClinVar (database versions not stated): gnomAD exomes 0.00001 and 0.00007; TOPMed 0.00002; gnomAD 0.00003.
gnomAD v4.1: 106 of 1,551,160 alleles (0.0068%); highest among the groups gnomAD compares: Non-Finnish European, 0.0089%; no homozygotes.

Submissions (3):

PreventionGenetics, part of Exact Sciences
Classification: Uncertain significance for LOXHD1-related condition. Last evaluated: 2023-09-25. Review status: criteria provided, single submitter. Criteria: ACMG Guidelines, 2015. Collection method: clinical testing. Allele origin: germline.
Comment: The LOXHD1 c.2288C>T variant is predicted to result in the amino acid substitution p.Ala763Val. To our knowledge, this variant has not been reported in the literature. This variant is reported in 0.0033% of alleles in individuals of European (Non-Finnish) descent in gnomAD. At this time, the clinical significance of this variant is uncertain due to the absence of conclusive functional and genetic evidence.

Laboratory for Molecular Medicine, Mass General Brigham Personalized Medicine
Classification: Uncertain significance. Last evaluated: 2016-02-28. Review status: criteria provided, single submitter. Criteria: LMM Criteria. Collection method: clinical testing. Allele origin: germline. Observed: 1 variant allele.
Comment: The p.Ala763Val variant in LOXHD1 has not been previously reported in individual s with hearing loss and was absent from large population studies. Computational prediction tools and conservation analyses suggest that the p.Ala763Val variant may not impact the protein, though this information is not predictive enough to rule out pathogenicity. In summary, the clinical significance of the p.Ala763Val variant is uncertain.

Natera, Inc.
Classification: Uncertain significance for Autosomal recessive deafness type 77. Last evaluated: 2020-09-16. Review status: no assertion criteria provided. Collection method: clinical testing. Allele origin: germline. Not counted in ClinVar's aggregate classification.